The following is an entry in ClinVar:

NM_001367561.1(DOCK7):c.6389T>G (p.Phe2130Cys)

Gene: DOCK7 (dedicator of cytokinesis 7; minus strand). Cytogenetic location: 1p31.3.
Variant type: single nucleotide variant.
Coding change: c.6389T>G on transcript NM_001367561.1 (MANE Select); coding-DNA position 6389, T replaced by G.
Protein change: p.Phe2130Cys; replaces phenylalanine 2130 with cysteine.
Molecular consequence: missense variant.
Genome position (GRCh38, 1-based): chr1:62,455,448, A>C on the plus strand (T>G on the coding strand, the complement: DOCK7 is on the minus strand). VCF-style: chr1-62455448-A-C. GRCh37 (hg19) VCF-style: chr1-62921119-A-C.
Other names: c.6356T>G, p.Phe2119Cys (NM_001271999.2); c.6269T>G, p.Phe2090Cys (NM_001272000.2); c.6263T>G, p.Phe2088Cys (NM_001272001.2); c.6362T>G, p.Phe2121Cys (NM_001330614.2); c.6296T>G, p.Phe2099Cys (NM_033407.4); c.6296T>G (NM_033407.2); short protein forms F2090C, F2121C, F2088C, F2099C, F2119C, F2130C.
Identifiers: ClinVar variation 1474836 (VCV001474836.6), dbSNP rs1645319931, ClinGen allele CA340628787.

ClinVar aggregate classification (germline): Uncertain significance. Review status: criteria provided, multiple submitters, no conflicts (2 of 4 stars). 2 submissions from 2 submitters: Uncertain significance (2). Last evaluated 2024-02-06.

Conditions:
Developmental and epileptic encephalopathy, 23 (DEE23). Also called: Epileptic encephalopathy, early infantile, 23. Identifiers: Orphanet 411986, MedGen C4014492, MONDO:0014371, OMIM 615859.
Inborn genetic diseases. Identifiers: MedGen C0950123, MeSH D030342.

Allele frequency attached by ClinVar (database versions not stated): TOPMed below 0.00001.
gnomAD v4.1: 1 of 1,613,668 alleles (0.000062%); highest among the groups gnomAD compares: Non-Finnish European, 0.000085%; no homozygotes.

Submissions (2):

Ambry Genetics
Classification: Uncertain significance for Inborn genetic diseases. Last evaluated: 2024-02-06. Review status: criteria provided, single submitter. Criteria: Ambry Variant Classification Scheme 2023. Collection method: clinical testing. Allele origin: germline.

Labcorp Genetics (formerly Invitae), Labcorp
Classification: Uncertain significance for Developmental and epileptic encephalopathy, 23. Last evaluated: 2022-03-22. Review status: criteria provided, single submitter. Criteria: Invitae Variant Classification Sherloc (09022015). Collection method: clinical testing. Allele origin: germline.
Comment: This sequence change replaces phenylalanine, which is neutral and non-polar, with cysteine, which is neutral and slightly polar, at codon 2119 of the DOCK7 protein (p.Phe2119Cys). This variant is not present in population databases (gnomAD no frequency). This variant has not been reported in the literature in individuals affected with DOCK7-related conditions. Algorithms developed to predict the effect of missense changes on protein structure and function are either unavailable or do not agree on the potential impact of this missense change (SIFT: "Tolerated"; PolyPhen-2: "Possibly Damaging"; Align-GVGD: "Class C0"). In summary, the available evidence is currently insufficient to determine the role of this variant in disease. Therefore, it has been classified as a Variant of Uncertain Significance.